The following is an entry in ClinVar:

ClinVar aggregate classification (germline): Pathogenic (1 of 4 stars; one submission).

Conditions:
Hereditary breast ovarian cancer syndrome. Also called: Hereditary breast and ovarian cancer; Hereditary breast and ovarian cancer syndrome (HBOC); Hereditary breast and/or ovarian cancer syndrome; BRCA1- and BRCA2-Associated Hereditary Breast and Ovarian Cancer; Hereditary breast and ovarian cancer syndrome; Breast and ovarian cancer. Identifiers: Orphanet 145, MedGen C0677776, MeSH D061325, MONDO:0003582. Disease mechanism: loss of function.

Submission:

Women's Health and Genetics/Laboratory Corporation of America, LabCorp
Classification: Pathogenic for Hereditary breast ovarian cancer syndrome. Last evaluated: 2021-08-18. Review status: criteria provided, single submitter. Criteria: LabCorp Variant Classification Summary - May 2015. Collection method: clinical testing. Allele origin: germline.
Comment: Variant summary: The variant identified by MLPA or other technology involves the deletion of exons 1-22 in the BRCA1 gene. A presumed nomenclature of c.(?_-233)_(5467+1_5468-1)del has been designated for the purposes of this classification. Although exact breakpoints of this deletion are not known, it is expected to result in a start-loss in the BRCA1 gene and removal of most genomic sequence, a known mechanism of disease. The variant was absent in 21694 control chromosomes (gnomAD, Structural Variants dataset). Deletion of exons 1-22 has been reported in the literature in multiple individuals affected with Hereditary Breast And Ovarian Cancer Syndrome (e.g. Casilli_2002, Susswein_2015, Rebbeck_2018). These data indicate that the variant is very likely to be associated with disease. Three ClinVar submitters (evaluation after 2014) cite the variant as pathogenic. Based on the evidence outlined above, the variant was classified as pathogenic.

Literature cited by the submitters: PubMed 20232141; PubMed 17470134; PubMed 26681312; PubMed 12203994; PubMed 14961556; PubMed 29446198.

NC_000017.10:g.(41197820_41199659)_(41277501_?)del

Gene: BRCA1 (BRCA1 DNA repair associated; minus strand). Cytogenetic location: 17q21.31.
Variant type: Deletion.
Identifiers: ClinVar variation 1217257 (VCV001217257.1).